The following is an entry in ClinVar:

ClinVar aggregate classification (germline): Uncertain significance (1 of 4 stars; one submission).

Conditions:
Hereditary cancer-predisposing syndrome. Also called: Hereditary neoplastic syndrome; Neoplastic Syndromes, Hereditary; Tumor predisposition; Hereditary Cancer Syndrome. Identifiers: Orphanet 140162, MedGen C0027672, MeSH D009386, MONDO:0015356.

Submission:

Ambry Genetics
Classification: Uncertain significance for Hereditary cancer-predisposing syndrome. Last evaluated: 2025-08-27. Review status: criteria provided, single submitter. Criteria: Ambry Variant Classification Scheme 2023. Collection method: clinical testing. Allele origin: germline.
Comment: The p.G264R variant (also known as c.790G>C), located in coding exon 10 of the MUTYH gene, results from a G to C substitution at nucleotide position 790. The glycine at codon 264 is replaced by arginine, an amino acid with dissimilar properties. This amino acid position is conserved. In addition, this alteration is predicted to be tolerated by in silico analysis. Based on the available evidence, the clinical significance of this variant remains unclear.

NM_001048174.2(MUTYH):c.706G>C (p.Gly236Arg)

Gene: MUTYH (mutY DNA glycosylase; minus strand). Cytogenetic location: 1p34.1.
Variant type: single nucleotide variant.
Coding change: c.706G>C on transcript NM_001048174.2 (MANE Select); coding-DNA position 706, G replaced by C.
Protein change: p.Gly236Arg; replaces glycine 236 with arginine.
Molecular consequence: missense variant. On other transcripts: non-coding transcript variant (7).
Genome position (GRCh38, 1-based): chr1:45,332,309, C>G on the plus strand (G>C on the coding strand, the complement: MUTYH is on the minus strand). VCF-style: chr1-45332309-C-G. GRCh37 (hg19) VCF-style: chr1-45797981-C-G.
Other names: c.706G>C, p.Gly236Arg (NM_001048173.2, NM_001293195.2, NM_001407081.1 and 6 more transcripts); c.790G>C, p.Gly264Arg (NM_001128425.2); c.751G>C, p.Gly251Arg (NM_001293190.2); c.739G>C, p.Gly247Arg (NM_001293191.2, NM_001407069.1, NM_001407077.1); c.430G>C, p.Gly144Arg (NM_001293192.2, NM_001293196.2, NM_001407091.1); c.667G>C, p.Gly223Arg (NM_001407079.1); c.664G>C, p.Gly222Arg (NM_001407080.1); c.361G>C, p.Gly121Arg (NM_001407082.1, NM_001350650.2, NM_001350651.2); and 5 more; short protein forms G121R, G237R, G243R, G250R, G251R, G261R, G144R, G223R.
Identifiers: ClinVar variation 4113843 (VCV004113843.1).